The following is an entry in ClinVar:

ClinVar aggregate classification (germline): Benign/Likely benign. Review status: criteria provided, multiple submitters, no conflicts (2 of 4 stars). 8 submissions from 8 submitters: Benign (3); Likely benign (3). 2 of the submissions do not count toward it. Last evaluated 2026-09-01.

Conditions:
Glycine encephalopathy. Also called: Nonketotic hyperglycinemia; Non-ketotic hyperglycinemia. Identifiers: Orphanet 407, MedGen C0751748, MONDO:0011612, HP:0008288.
Intellectual disability. Also called: Intellectual functioning disability; intellectual disabilities; Intellectual developmental disorder. Identifiers: MedGen C3714756, MeSH D008607, MONDO:0001071, HP:0001249.
GLDC-related disorder. Also called: GLDC-related condition.

Allele frequency attached by ClinVar (database versions not stated): 1000 Genomes Project 30x 0.00109; 1000 Genomes Project 0.00120; TOPMed 0.00407; gnomAD 0.00452 and 0.00464; ExAC 0.00486; gnomAD exomes 0.00490 and 0.00638; ESP Exome Variant Server 0.00654.
gnomAD v4.1: 9,886 of 1,603,864 alleles (0.62%); highest among the groups gnomAD compares: Non-Finnish European, 0.72%; 52 homozygotes.

Submissions (8):

CeGaT Center for Human Genetics Tuebingen
Classification: Likely benign. Last evaluated: 2026-09-01. Review status: criteria provided, single submitter. Criteria: CeGaT Center For Human Genetics Tuebingen Variant Classification Criteria Version 2. Collection method: clinical testing. Allele origin: germline. Affected: yes. Observed: 49 variant alleles.
Comment: GLDC: BP4, BS2

Labcorp Genetics (formerly Invitae), Labcorp
Classification: Benign for Glycine encephalopathy. Last evaluated: 2026-02-01. Review status: criteria provided, single submitter. Criteria: Invitae Variant Classification Sherloc (09022015). Collection method: clinical testing. Allele origin: germline.

Mayo Clinic Laboratories, Mayo Clinic
Classification: Benign. Last evaluated: 2025-01-13. Review status: criteria provided, single submitter. Criteria: ACMG Guidelines, 2015. Collection method: clinical testing. Allele origin: germline. Observed: 1 variant allele.
Comment: BS1, BS2, BP4, BP7

Cambridge Genomics Laboratory, East Genomic Laboratory Hub, NHS Genomic Medicine Service
Classification: Benign for Intellectual disability. Last evaluated: 2019-06-21. Review status: criteria provided, single submitter. Criteria: ACGS Best Practice Guidelines for Variant Classification in Rare Disease 2020. Collection method: clinical testing. Allele origin: germline. Affected: yes. Observed: 1 variant allele.

Illumina Laboratory Services, Illumina
Classification: Likely benign for Glycine encephalopathy 1. Last evaluated: 2018-01-13. Review status: criteria provided, single submitter. Criteria: ICSL Variant Classification Criteria 13 December 2019. Collection method: clinical testing. Allele origin: germline.
Comment: This variant was observed in the ICSL laboratory as part of a predisposition screen in an ostensibly healthy population. It had not been previously curated by ICSL or reported in the Human Gene Mutation Database (HGMD: prior to June 1st, 2018), and was therefore a candidate for classification through an automated scoring system. Utilizing variant allele frequency, disease prevalence and penetrance estimates, and inheritance mode, an automated score was calculated to assess if this variant is too frequent to cause the disease. Based on the score and internal cut-off values, a variant classified as likely benign is not then subjected to further curation. The score for this variant resulted in a classification of likely benign for this disease.

Breakthrough Genomics
Classification: Likely benign. Review status: criteria provided, single submitter. Criteria: ACMG Guidelines, 2015. Collection method: not provided. Allele origin: germline. Inheritance: Autosomal recessive inheritance. Affected: yes.

PreventionGenetics, part of Exact Sciences
Classification: Benign for GLDC-related condition. Last evaluated: 2024-03-12. Review status: no assertion criteria provided. Collection method: clinical testing. Allele origin: germline. Not counted in ClinVar's aggregate classification.
Comment: This variant is classified as benign based on ACMG/AMP sequence variant interpretation guidelines (Richards et al. 2015 PMID: 25741868, with internal and published modifications).

Natera, Inc.
Classification: Benign for Non-ketotic hyperglycinemia. Last evaluated: 2020-09-16. Review status: no assertion criteria provided. Collection method: clinical testing. Allele origin: germline. Not counted in ClinVar's aggregate classification.

NM_000170.3(GLDC):c.1707+8G>A

Gene: GLDC (glycine decarboxylase; minus strand). Cytogenetic location: 9p24.1.
Variant type: single nucleotide variant.
Coding change: c.1707+8G>A on transcript NM_000170.3 (MANE Select); 8 bases into the intron after coding-DNA position 1707, G replaced by A.
Molecular consequence: intron variant.
Genome position (GRCh38, 1-based): chr9:6,588,393, C>T on the plus strand (G>A on the coding strand, the complement: GLDC is on the minus strand). VCF-style: chr9-6588393-C-T. GRCh37 (hg19) VCF-style: chr9-6588393-C-T.
Other names: p.?.
Identifiers: ClinVar variation 367186 (VCV000367186.59), dbSNP rs144666843, ClinGen allele CA4980566.